The following is an entry in ClinVar:

NM_001127392.3(MYRF):c.1164G>A (p.Ser388=)

Gene: MYRF (myelin regulatory factor; plus strand). Cytogenetic location: 11q12.2.
Variant type: single nucleotide variant.
Coding change: c.1164G>A on transcript NM_001127392.3 (MANE Select); coding-DNA position 1164, G replaced by A.
Protein change: p.Ser388=; no amino-acid change (serine 388 retained).
Molecular consequence: synonymous variant.
Genome position (GRCh38, 1-based): chr11:61,774,015, G>A. VCF-style: chr11-61774015-G-A. GRCh37 (hg19) VCF-style: chr11-61541487-G-A.
Other names: c.1137G>A, p.Ser379= (NM_013279.4).
Identifiers: ClinVar variation 3298163 (VCV003298163.1).

ClinVar aggregate classification (germline): Uncertain significance (1 of 4 stars; one submission).

Conditions:
Inborn genetic diseases. Identifiers: MedGen C0950123, MeSH D030342.

Submission:

Ambry Genetics
Classification: Uncertain significance for Inborn genetic diseases. Last evaluated: 2024-06-18. Review status: criteria provided, single submitter. Criteria: Ambry Variant Classification Scheme 2023. Collection method: clinical testing. Allele origin: germline.
Comment: The c.1164G>A (p.S388S) alteration is located in exon 8 (coding exon 8) of the MYRF gene. This alteration consists of a G to A substitution at nucleotide position 1164. This nucleotide substitution does not change the amino acid at codon 388. This allele was reported in one heterozygous individual in population-based cohorts in the Genome Aggregation Database (gnomAD). This nucleotide position is poorly conserved in available vertebrate species. In silico splice site analysis predicts that this alteration will result in the creation or strengthening of a novel splice acceptor site. Based on insufficient or conflicting evidence, the clinical significance of this alteration remains unclear.